The following is an entry in ClinVar:

ClinVar aggregate classification (germline): Uncertain significance. Review status: criteria provided, multiple submitters, no conflicts (2 of 4 stars). 3 submissions from 3 submitters: Uncertain significance (3). Last evaluated 2026-04-03.

Conditions:
Loeys-Dietz syndrome 2 (LDS2). Also called: TGFBR2-Related Loeys-Dietz Syndrome; Marfan Syndrome type 2; Marfan like connective tissue disorder; MFS 2; Marfan syndrome, type 2 (formerly); AORTIC ANEURYSM, FAMILIAL THORACIC 3. Identifiers: Orphanet 284973, Orphanet 558, MedGen C2674574, MONDO:0012427, OMIM 610168.

Allele frequency attached by ClinVar (database versions not stated): gnomAD exomes below 0.00001; ExAC 0.00001.
gnomAD v4.1: 5 of 1,614,128 alleles (0.00031%); highest among the groups gnomAD compares: South Asian, 0.0055%; no homozygotes.

Submissions (3):

Women's Health and Genetics/Laboratory Corporation of America, LabCorp
Classification: Uncertain significance. Last evaluated: 2026-04-03. Review status: criteria provided, single submitter. Criteria: LabCorp Variant Classification Summary - May 2015. Collection method: clinical testing. Allele origin: germline.

Ambry Genetics
Classification: Uncertain significance. Last evaluated: 2023-12-11. Review status: criteria provided, single submitter. Criteria: Ambry Variant Classification Scheme 2023. Collection method: clinical testing. Allele origin: germline.
Comment: The p.P232L variant (also known as c.695C>T), located in coding exon 4 of the TMPO gene, results from a C to T substitution at nucleotide position 695. The proline at codon 232 is replaced by leucine, an amino acid with similar properties. This amino acid position is conserved. In addition, this alteration is predicted to be tolerated by in silico analysis. Since supporting evidence is limited at this time, the clinical significance of this alteration remains unclear.

Labcorp Genetics (formerly Invitae), Labcorp
Classification: Uncertain significance for Loeys-Dietz syndrome 2. Last evaluated: 2018-08-21. Review status: criteria provided, single submitter. Criteria: Invitae Variant Classification Sherloc (09022015). Collection method: clinical testing. Allele origin: germline.
Comment: In summary, the available evidence is currently insufficient to determine the role of this variant in disease. Therefore, it has been classified as a Variant of Uncertain Significance. Algorithms developed to predict the effect of missense changes on protein structure and function are either unavailable or do not agree on the potential impact of this missense change (SIFT: "Deleterious"; PolyPhen-2: "Probably Damaging"; Align-GVGD: "Class C0"). This variant has not been reported in the literature in individuals with TMPO-related disease. This variant is present in population databases (rs754944353, ExAC 0.006%). This sequence change replaces proline with leucine at codon 232 of the TMPO protein (p.Pro232Leu). The proline residue is weakly conserved and there is a moderate physicochemical difference between proline and leucine.

NM_001032283.3(TMPO):c.565+1114C>T

Gene: TMPO (thymopoietin; plus strand). Cytogenetic location: 12q23.1.
Variant type: single nucleotide variant.
Coding change: c.565+1114C>T on transcript NM_001032283.3 (MANE Select); 1114 bases into the intron after coding-DNA position 565, C replaced by T.
Molecular consequence: intron variant. On other transcripts: missense variant (1).
Genome position (GRCh38, 1-based): chr12:98,532,952, C>T. VCF-style: chr12-98532952-C-T. GRCh37 (hg19) VCF-style: chr12-98926730-C-T.
Other names: c.695C>T, p.Pro232Leu (NM_003276.2); c.565+1114C>T (NM_001307975.2, NM_001032284.3); short protein forms P232L.
Identifiers: ClinVar variation 652204 (VCV000652204.11), dbSNP rs754944353, ClinGen allele CA6732273.
Genomic context (GRCh38, chr12:98,532,952, plus strand): 5'-CTCCCTCTGGTGGTGGATTTTTTCAGGGTATTTCTTTTCCTGAAATCTCCACCCGTCCTC[C>T]TTTGGGCAGTACCGAACTACAGGCAGCTAAGAAAGTACATACTTCTAAGGGAGACCTACC-3'